The following is an entry in ClinVar:

ClinVar aggregate classification (germline): Uncertain significance. Review status: criteria provided, multiple submitters, no conflicts (2 of 4 stars). 2 submissions from 2 submitters: Uncertain significance (2). Last evaluated 2025-04-03.

Allele frequency attached by ClinVar (database versions not stated): gnomAD 0.00002; gnomAD exomes 0.00002; TOPMed 0.00002; ExAC 0.00003.

Submissions (2):

Ambry Genetics
Classification: Uncertain significance. Last evaluated: 2025-04-03. Review status: criteria provided, single submitter. Criteria: Ambry Variant Classification Scheme 2023. Collection method: clinical testing. Allele origin: germline.
Comment: Does not currently meet published gene-disease clinical validity criteria. Based on insufficient or conflicting evidence, the clinical significance of this alteration remains unclear.

Labcorp Genetics (formerly Invitae), Labcorp
Classification: Uncertain significance. Last evaluated: 2024-04-05. Review status: criteria provided, single submitter. Criteria: Invitae Variant Classification Sherloc (09022015). Collection method: clinical testing. Allele origin: germline.
Comment: This sequence change replaces isoleucine, which is neutral and non-polar, with valine, which is neutral and non-polar, at codon 54 of the TPRKB protein (p.Ile54Val). This variant is present in population databases (rs749359016, gnomAD 0.02%). This variant has not been reported in the literature in individuals affected with TPRKB-related conditions. ClinVar contains an entry for this variant (Variation ID: 2333645). Algorithms developed to predict the effect of missense changes on protein structure and function output the following: SIFT: "Not Available"; PolyPhen-2: "Benign"; Align-GVGD: "Not Available". The valine amino acid residue is found in multiple mammalian species, which suggests that this missense change does not adversely affect protein function. In summary, the available evidence is currently insufficient to determine the role of this variant in disease. Therefore, it has been classified as a Variant of Uncertain Significance.

Literature cited by the submitters: PubMed 28106320 (cited by Ambry Genetics).

NM_016058.5(TPRKB):c.160A>G (p.Ile54Val)

Gene: TPRKB (TP53RK binding protein; minus strand). Cytogenetic location: 2p13.1.
Variant type: single nucleotide variant.
Coding change: c.160A>G on transcript NM_016058.5 (MANE Select); coding-DNA position 160, A replaced by G.
Protein change: p.Ile54Val; replaces isoleucine 54 with valine.
Molecular consequence: missense variant.
Genome position (GRCh38, 1-based): chr2:73,732,267, T>C on the plus strand (A>G on the coding strand, the complement: TPRKB is on the minus strand). VCF-style: chr2-73732267-T-C. GRCh37 (hg19) VCF-style: chr2-73959394-T-C.
Other names: c.277A>G, p.Ile93Val (NM_001330386.2, NM_001330387.2); c.160A>G, p.Ile54Val (NM_001330388.2, NM_001330389.2); c.106A>G, p.Ile36Val (NM_001330390.2); c.61A>G, p.Ile21Val (NM_001330391.2, NM_001330392.2); short protein forms I36V, I54V, I93V, I21V.
Identifiers: ClinVar variation 2333645 (VCV002333645.6), dbSNP rs749359016, ClinGen allele CA1716443.
Genomic context (GRCh38, chr2:73,732,267, plus strand): 5'-TTCTTGTCTTCATTTTTCCCAGTTTGTAGAGGTGAACTGCTTTGTTTGCTGCCACAAGTA[T>C]CTGAAATGGATCAACAATCTACCAAAGCAAGGAAAAAGAATTAATTACACATGGAGAATC-3'
Protein context (NP_057142.1, residues 44-64): NPTVIVDPFQ[Ile54Val]LVAANKAVHL